The following is an entry in ClinVar:

NM_000081.4(LYST):c.9454C>T (p.His3152Tyr)

Gene: LYST (lysosomal trafficking regulator; minus strand). Cytogenetic location: 1q42.3.
Variant type: single nucleotide variant.
Coding change: c.9454C>T on transcript NM_000081.4 (MANE Select); coding-DNA position 9454, C replaced by T.
Protein change: p.His3152Tyr; replaces histidine 3152 with tyrosine.
Molecular consequence: missense variant.
Genome position (GRCh38, 1-based): chr1:235,720,767, G>A on the plus strand (C>T on the coding strand, the complement: LYST is on the minus strand). VCF-style: chr1-235720767-G-A. GRCh37 (hg19) VCF-style: chr1-235884067-G-A.
Other names: c.9454C>T, p.His3152Tyr (NM_001301365.1); short protein forms H3152Y.
Identifiers: ClinVar variation 1047227 (VCV001047227.4), dbSNP rs2527449183, ClinGen allele CA344943703.

ClinVar aggregate classification (germline): Uncertain significance (1 of 4 stars; one submission).

Conditions:
Chédiak-Higashi syndrome (CHS). Also called: Chediak-Higashi Syndrome. Identifiers: Orphanet 167, MedGen C0007965, MONDO:0008963, OMIM 214500.

Allele frequency attached by ClinVar (database versions not stated): gnomAD exomes below 0.00001.
gnomAD v4.1: 3 of 1,614,106 alleles (0.00019%); highest among the groups gnomAD compares: Non-Finnish European, 0.00017%; no homozygotes.

Submission:

Labcorp Genetics (formerly Invitae), Labcorp
Classification: Uncertain significance for Chédiak-Higashi syndrome. Last evaluated: 2025-09-22. Review status: criteria provided, single submitter. Criteria: Invitae Variant Classification Sherloc (09022015). Collection method: clinical testing. Allele origin: germline.
Comment: This sequence change replaces histidine, which is basic and polar, with tyrosine, which is neutral and polar, at codon 3152 of the LYST protein (p.His3152Tyr). This variant is not present in population databases (gnomAD no frequency). This variant has not been reported in the literature in individuals affected with LYST-related conditions. ClinVar contains an entry for this variant (Variation ID: 1047227). Invitae Evidence Modeling of protein sequence and biophysical properties (such as structural, functional, and spatial information, amino acid conservation, physicochemical variation, residue mobility, and thermodynamic stability) indicates that this missense variant is expected to disrupt LYST protein function with a positive predictive value of 80%. In summary, the available evidence is currently insufficient to determine the role of this variant in disease. Therefore, it has been classified as a Variant of Uncertain Significance.